The following is an entry in ClinVar:

NM_001363118.2(SLC52A2):c.143C>T (p.Pro48Leu)

Gene: SLC52A2 (solute carrier family 52 member 2; plus strand). Cytogenetic location: 8q24.3.
Variant type: single nucleotide variant.
Coding change: c.143C>T on transcript NM_001363118.2 (MANE Select); coding-DNA position 143, C replaced by T.
Protein change: p.Pro48Leu; replaces proline 48 with leucine.
Molecular consequence: missense variant. On other transcripts: non-coding transcript variant (1), intron variant (1).
Genome position (GRCh38, 1-based): chr8:144,359,635, C>T. VCF-style: chr8-144359635-C-T. GRCh37 (hg19) VCF-style: chr8-145583295-C-T.
Other names: c.143C>T, p.Pro48Leu (NM_001253815.2, NM_001253816.2, NM_001363120.2 and 2 more transcripts); c.130+212C>T (NM_001363122.2); short protein forms P48L.
Identifiers: ClinVar variation 575643 (VCV000575643.8), dbSNP rs1554853840, ClinGen allele CA372626163.

ClinVar aggregate classification (germline): Uncertain significance. Review status: criteria provided, multiple submitters, no conflicts (2 of 4 stars). 2 submissions from 2 submitters: Uncertain significance (2). Last evaluated 2024-10-19.

Conditions:
Brown-Vialetto-van Laere syndrome 2. Also called: Riboflavin transporter deficiency type 2; SPINOCEREBELLAR ATAXIA WITH BLINDNESS AND DEAFNESS 2. Identifiers: Orphanet 572543, Orphanet 97229, MedGen C3553538, MONDO:0013867, OMIM 614707.
Inborn genetic diseases. Identifiers: MedGen C0950123, MeSH D030342.

Allele frequency attached by ClinVar (database versions not stated): TOPMed below 0.00001; gnomAD exomes below 0.00001.
gnomAD v4.1: 3 of 1,612,690 alleles (0.00019%); highest among the groups gnomAD compares: Non-Finnish European, 0.00025%; no homozygotes.

Submissions (2):

Ambry Genetics
Classification: Uncertain significance for Inborn genetic diseases. Last evaluated: 2024-10-19. Review status: criteria provided, single submitter. Criteria: Ambry Variant Classification Scheme 2023. Collection method: clinical testing. Allele origin: germline.

Labcorp Genetics (formerly Invitae), Labcorp
Classification: Uncertain significance for Brown-Vialetto-van Laere syndrome 2. Last evaluated: 2021-09-02. Review status: criteria provided, single submitter. Criteria: Invitae Variant Classification Sherloc (09022015). Collection method: clinical testing. Allele origin: germline.
Comment: This sequence change replaces proline with leucine at codon 48 of the SLC52A2 protein (p.Pro48Leu). The proline residue is highly conserved and there is a moderate physicochemical difference between proline and leucine. This variant is not present in population databases (ExAC no frequency). This variant has not been reported in the literature in individuals affected with SLC52A2-related conditions. Algorithms developed to predict the effect of missense changes on protein structure and function (SIFT, PolyPhen-2, Align-GVGD) all suggest that this variant is likely to be disruptive. In summary, the available evidence is currently insufficient to determine the role of this variant in disease. Therefore, it has been classified as a Variant of Uncertain Significance.